The following is an entry in ClinVar:

NM_014946.4(SPAST):c.1537-2A>C

Gene: SPAST (spastin; plus strand). Cytogenetic location: 2p22.3.
Variant type: single nucleotide variant.
Coding change: c.1537-2A>C on transcript NM_014946.4 (MANE Select); the canonical splice acceptor site of the intron before coding-DNA position 1537, A replaced by C.
Molecular consequence: splice acceptor variant.
Genome position (GRCh38, 1-based): chr2:32,143,334, A>C. VCF-style: chr2-32143334-A-C. GRCh37 (hg19) VCF-style: chr2-32368403-A-C.
Other names: c.1537-2A>C (NM_014946.3); c.1441-2A>C (NM_199436.2, NM_001377959.1); c.1534-2A>C (NM_001363823.2); c.1438-2A>C (NM_001363875.2).
Identifiers: ClinVar variation 2758764 (VCV002758764.4), dbSNP rs2465902960, ClinGen allele CA346503558.
Genomic context (GRCh38, chr2:32,143,334, plus strand): 5'-AAAAAGAAAAGAATCATTAATTCTGAAATTAGACTGAATGATCATTTTTTAATATTTTTC[A>C]GACAAGACTACTTTTGCTTAAAAATCTGTTATGTAAACAAGGAAGTCCATTGACCCAAAA-3'

ClinVar aggregate classification (germline): Pathogenic. Review status: criteria provided, multiple submitters, no conflicts (2 of 4 stars). 2 submissions from 2 submitters: Pathogenic (2). Last evaluated 2024-04-26.

Conditions:
Hereditary spastic paraplegia 4. Also called: Familial spastic paraplegia autosomal dominant 2; Spastic paraplegia 4, autosomal dominant; Spastic Paraplegia 4. Identifiers: Orphanet 100985, MedGen C1866855, MONDO:0008438, OMIM 182601.

Submissions (2):

Athena Diagnostics
Classification: Pathogenic. Last evaluated: 2024-04-26. Review status: criteria provided, single submitter. Criteria: Athena Diagnostics Criteria. Collection method: clinical testing. Allele origin: unknown.
Comment: This variant is expected to severely impact normal RNA splicing, and consequently, protein structure and/or function. This variant has not been reported in large, multi-ethnic general populations. This variant has been identified in at least one individual with clinical features of autosomal dominant spastic paraplegia 4.

Labcorp Genetics (formerly Invitae), Labcorp
Classification: Pathogenic for Hereditary spastic paraplegia 4. Last evaluated: 2023-09-08. Review status: criteria provided, single submitter. Criteria: Invitae Variant Classification Sherloc (09022015). Collection method: clinical testing. Allele origin: germline.
Comment: For these reasons, this variant has been classified as Pathogenic. Algorithms developed to predict the effect of sequence changes on RNA splicing suggest that this variant may disrupt the consensus splice site. Disruption of this splice site has been observed in individuals with clinical features of hereditary spastic paraplegia (PMID: 10699187; Invitae). This variant is not present in population databases (gnomAD no frequency). This sequence change affects an acceptor splice site in intron 13 of the SPAST gene. It is expected to disrupt RNA splicing. Variants that disrupt the donor or acceptor splice site typically lead to a loss of protein function (PMID: 16199547), and loss-of-function variants in SPAST are known to be pathogenic (PMID: 20932283).

Literature cited by the submitters: PubMed 35487127 (cited by Athena Diagnostics); PubMed 10699187 (cited by Labcorp Genetics (formerly Invitae), Labcorp); PubMed 16199547 (cited by Labcorp Genetics (formerly Invitae), Labcorp); PubMed 20932283 (cited by Labcorp Genetics (formerly Invitae), Labcorp).